The following is an entry in ClinVar:

NM_005989.4(AKR1D1):c.*48C>T

Gene: AKR1D1 (aldo-keto reductase family 1 member D1; plus strand). Cytogenetic location: 7q33.
Variant type: single nucleotide variant.
Coding change: c.*48C>T on transcript NM_005989.4 (MANE Select); 48 bases downstream of the stop codon, C replaced by T.
Molecular consequence: 3 prime UTR variant.
Genome position (GRCh38, 1-based): chr7:138,116,710, C>T. VCF-style: chr7-138116710-C-T. GRCh37 (hg19) VCF-style: chr7-137801456-C-T.
Other names: c.*48C>T (NM_001190906.2); c.*73C>T (NM_001190907.2).
Identifiers: ClinVar variation 358957 (VCV000358957.5), dbSNP rs201088819, ClinGen allele CA4502913.

ClinVar aggregate classification (germline): Benign (1 of 4 stars; one submission).

Conditions:
Congenital bile acid synthesis defect 2 (CBAS2). Also called: CHOLESTASIS WITH DELTA(4)-3-OXOSTEROID 5-BETA-REDUCTASE DEFICIENCY. Identifiers: Orphanet 79303, MedGen C1856127, MONDO:0009339, OMIM 235555.

Allele frequency attached by ClinVar (database versions not stated): ESP Exome Variant Server 0.00038; gnomAD 0.00069 and 0.00114; TOPMed 0.00097; 1000 Genomes Project 0.00240; 1000 Genomes Project 30x 0.00359.
gnomAD v4.1: 3,017 of 1,534,502 alleles (0.2%); highest among the groups gnomAD compares: South Asian, 1.4%; 39 homozygotes.

Submission:

Illumina Laboratory Services, Illumina
Classification: Benign for Congenital bile acid synthesis defect 2. Last evaluated: 2018-01-12. Review status: criteria provided, single submitter. Criteria: ICSL Variant Classification Criteria 13 December 2019. Collection method: clinical testing. Allele origin: germline.
Comment: This variant was observed in the ICSL laboratory as part of a predisposition screen in an ostensibly healthy population. It had not been previously curated by ICSL or reported in the Human Gene Mutation Database (HGMD: prior to June 1st, 2018), and was therefore a candidate for classification through an automated scoring system. Utilizing variant allele frequency, disease prevalence and penetrance estimates, and inheritance mode, an automated score was calculated to assess if this variant is too frequent to cause the disease. Based on the score and internal cut-off values, a variant classified as benign is not then subjected to further curation. The score for this variant resulted in a classification of benign for this disease.